The following is an entry in ClinVar:

NM_005051.3(QARS1):c.799C>T (p.Arg267Trp)

Gene: QARS1 (glutaminyl-tRNA synthetase 1; minus strand). Cytogenetic location: 3p21.31.
Variant type: single nucleotide variant.
Coding change: c.799C>T on transcript NM_005051.3 (MANE Select); coding-DNA position 799, C replaced by T.
Protein change: p.Arg267Trp; replaces arginine 267 with tryptophan.
Molecular consequence: missense variant. On other transcripts: non-coding transcript variant (1).
Genome position (GRCh38, 1-based): chr3:49,101,432, G>A on the plus strand (C>T on the coding strand, the complement: QARS1 is on the minus strand). VCF-style: chr3-49101432-G-A. GRCh37 (hg19) VCF-style: chr3-49138865-G-A.
Other names: c.799C>T (NM_005051.1); c.766C>T, p.Arg256Trp (NM_001272073.2); short protein forms R256W, R267W.
Identifiers: ClinVar variation 2662083 (VCV002662083.5), dbSNP rs749551140, ClinGen allele CA2392004.

ClinVar aggregate classification (germline): Uncertain significance. Review status: criteria provided, multiple submitters, no conflicts (2 of 4 stars). 3 submissions from 3 submitters: Uncertain significance (3). Last evaluated 2024-07-07.

Conditions:
Diffuse cerebral and cerebellar atrophy - intractable seizures - progressive microcephaly syndrome. Also called: Microcephaly, progressive, with seizures and cerebral and cerebellar atrophy. Identifiers: Orphanet 404437, MedGen C4014239, MONDO:0014335, OMIM 615760.
Inborn genetic diseases. Identifiers: MedGen C0950123, MeSH D030342.

Allele frequency attached by ClinVar (database versions not stated): ExAC 0.00002; TOPMed 0.00002; gnomAD exomes 0.00001.
gnomAD v4.1: 9 of 1,612,990 alleles (0.00056%); highest among the groups gnomAD compares: Admixed American, 0.0017%; no homozygotes.

Submissions (3):

Ambry Genetics
Classification: Uncertain significance for Inborn genetic diseases. Last evaluated: 2024-07-07. Review status: criteria provided, single submitter. Criteria: Ambry Variant Classification Scheme 2023. Collection method: clinical testing. Allele origin: germline.

GeneDx
Classification: Uncertain significance. Last evaluated: 2023-05-15. Review status: criteria provided, single submitter. Criteria: GeneDx Variant Classification Process June 2021. Collection method: clinical testing. Allele origin: germline. Affected: yes.
Comment: Not observed at significant frequency in large population cohorts (gnomAD); In silico analysis supports that this missense variant has a deleterious effect on protein structure/function; Has not been previously published as pathogenic or benign to our knowledge; This variant is associated with the following publications: (PMID: 25471517)

Labcorp Genetics (formerly Invitae), Labcorp
Classification: Uncertain significance for Diffuse cerebral and cerebellar atrophy - intractable seizures - progressive microcephaly syndrome. Last evaluated: 2023-03-09. Review status: criteria provided, single submitter. Criteria: Invitae Variant Classification Sherloc (09022015). Collection method: clinical testing. Allele origin: germline.
Comment: This sequence change replaces arginine, which is basic and polar, with tryptophan, which is neutral and slightly polar, at codon 267 of the QARS protein (p.Arg267Trp). This variant is present in population databases (rs749551140, gnomAD 0.007%). In summary, the available evidence is currently insufficient to determine the role of this variant in disease. Therefore, it has been classified as a Variant of Uncertain Significance. Advanced modeling of protein sequence and biophysical properties (such as structural, functional, and spatial information, amino acid conservation, physicochemical variation, residue mobility, and thermodynamic stability) has been performed at Invitae for this missense variant, however the output from this modeling did not meet the statistical confidence thresholds required to predict the impact of this variant on QARS protein function. This variant has not been reported in the literature in individuals affected with QARS-related conditions.